The following is an entry in ClinVar:

ClinVar aggregate classification (germline): Uncertain significance. Review status: criteria provided, multiple submitters, no conflicts (2 of 4 stars). 2 submissions from 2 submitters: Uncertain significance (2). Last evaluated 2025-06-04.

Conditions:
Myopathy, proximal, and ophthalmoplegia (CMYO6). Also called: CONGENITAL MYOPATHY 6 WITH OPHTHALMOPLEGIA; INCLUSION BODY MYOPATHY 3, AUTOSOMAL DOMINANT; MYOPATHY WITH CONGENITAL JOINT CONTRACTURES, OPHTHALMOPLEGIA, AND RIMMED VACUOLES. Identifiers: Orphanet 363677, Orphanet 79091, MedGen C1854106, MONDO:0011577, OMIM 605637.

Allele frequency attached by ClinVar (database versions not stated): gnomAD 0.00001; TOPMed 0.00002.
gnomAD v4.1: 39 of 1,614,014 alleles (0.0024%); highest among the groups gnomAD compares: South Asian, 0.026%; no homozygotes.

Submissions (2):

Labcorp Genetics (formerly Invitae), Labcorp
Classification: Uncertain significance for Myopathy, proximal, and ophthalmoplegia. Last evaluated: 2025-06-04. Review status: criteria provided, single submitter. Criteria: Invitae Variant Classification Sherloc (09022015). Collection method: clinical testing. Allele origin: germline.
Comment: This sequence change replaces alanine, which is neutral and non-polar, with threonine, which is neutral and polar, at codon 581 of the MYH2 protein (p.Ala581Thr). This variant is present in population databases (rs757972369, gnomAD 0.02%). This variant has not been reported in the literature in individuals affected with MYH2-related conditions. ClinVar contains an entry for this variant (Variation ID: 1372011). Invitae Evidence Modeling of protein sequence and biophysical properties (such as structural, functional, and spatial information, amino acid conservation, physicochemical variation, residue mobility, and thermodynamic stability) indicates that this missense variant is not expected to disrupt MYH2 protein function with a negative predictive value of 80%. In summary, the available evidence is currently insufficient to determine the role of this variant in disease. Therefore, it has been classified as a Variant of Uncertain Significance.

Revvity Omics, Revvity
Classification: Uncertain significance for Myopathy, proximal, and ophthalmoplegia. Last evaluated: 2019-08-14. Review status: criteria provided, single submitter. Criteria: ACMG Guidelines, 2015. Collection method: clinical testing. Allele origin: germline.

NM_017534.6(MYH2):c.1741G>A (p.Ala581Thr)

Genes: MYHAS (myosin heavy chain gene cluster antisense RNA; plus strand), MYH2 (myosin heavy chain 2; minus strand). Cytogenetic location: 17p13.1.
Variant type: single nucleotide variant.
Coding change: c.1741G>A on transcript NM_017534.6 (MANE Select); coding-DNA position 1741, G replaced by A.
Protein change: p.Ala581Thr; replaces alanine 581 with threonine.
Molecular consequence: missense variant.
Genome position (GRCh38, 1-based): chr17:10,537,389, C>T on the plus strand (G>A on the coding strand, the complement: MYH2 is on the minus strand). VCF-style: chr17-10537389-C-T. GRCh37 (hg19) VCF-style: chr17-10440706-C-T.
Other names: c.1741G>A, p.Ala581Thr (NM_001100112.2); c.1741G>A (NM_017534.5); short protein forms A581T.
Identifiers: ClinVar variation 1372011 (VCV001372011.10), dbSNP rs757972369, ClinGen allele CA8391303.
Genomic context (GRCh38, chr17:10,537,389, plus strand): 5'-TGTTCTTCTCCAGCCAGCCAGTAATGTTGTAGTCCACAACACCAGCATAGTGAATCAGAG[C>T]GAAGTGGGCCTCGGCCTTGCCTTTGACCACCTTGGGCTTCTGGAAGTTGGCAGACTTGCC-3'
Protein context (NP_060004.3, residues 571-591): VVKGKAEAHF[Ala581Thr]LIHYAGVVDY